The following is an entry in ClinVar:

ClinVar aggregate classification (germline): Pathogenic. Review status: reviewed by expert panel (3 of 4 stars). 2 submissions from 2 submitters: Pathogenic (1). 1 of the submissions does not count toward it. Last evaluated 2017-12-15.

Conditions:
Breast-ovarian cancer, familial, susceptibility to, 2 (BROVCA2). Also called: BRCA2 Hereditary Breast and Ovarian Cancer. Identifiers: Orphanet 145, MedGen C2675520, MONDO:0012933, OMIM 612555. Disease mechanism: loss of function.
Familial cancer of breast. Also called: BREAST CANCER, FAMILIAL; Hereditary breast cancer; hereditary breast carcinoma. Identifiers: Orphanet 227535, MedGen C0346153, MONDO:0016419, OMIM 114480. Disease mechanism: loss of function.

Submissions (2):

Evidence-based Network for the Interpretation of Germline Mutant Alleles (ENIGMA)
Classification: Pathogenic for Breast-ovarian cancer, familial, susceptibility to, 2. Last evaluated: 2017-12-15. Review status: reviewed by expert panel. Criteria: ENIGMA BRCA1/2 Classification Criteria (2017-06-29). Collection method: curation. Allele origin: germline. Study: ENIGMA.
Comment: Variant allele predicted to encode a truncated non-functional protein.

ClinVar Staff, National Center for Biotechnology Information (NCBI)
No classification provided. Condition: Familial cancer of breast. Review status: no classification provided. Collection method: literature only. Allele origin: germline. Affected: yes. Not counted in ClinVar's aggregate classification.

Literature cited by the submitters: PubMed 20104584 (cited by ClinVar Staff, National Center for Biotechnology Information (NCBI)).

NM_000059.4(BRCA2):c.7067_7068del (p.Phe2356fs)

Gene: BRCA2 (BRCA2 DNA repair associated; plus strand). Cytogenetic location: 13q13.1.
Variant type: Deletion.
Coding change: c.7067_7068del on transcript NM_000059.4 (MANE Select); coding-DNA positions 7067 to 7068, 2 bases deleted (TT; older notation c.7067_7068delTT).
Protein change: p.Phe2356fs; shifts the reading frame from phenylalanine 2356.
Molecular consequence: frameshift variant.
Genome position (GRCh38, 1-based): chr13:32,354,920-32,354,921, TT deleted; deleting any 2 consecutive bases within chr13:32,354,919-32,354,921 gives the same sequence; the c. name uses the placement nearest the transcript's 3' end. VCF-style (leftmost placement, unchanged base first): chr13-32354918-ATT-A. GRCh37 (hg19) VCF-style: chr13-32929055-ATT-A.
Other names: c.7067_7068delTT (NM_000059.3); short protein forms F2356fs.
Identifiers: ClinVar variation 52262 (VCV000052262.3), dbSNP rs397507894, ClinGen allele CA024828.